The following is an entry in ClinVar:

NM_138420.4(AHNAK2):c.3343G>A (p.Ala1115Thr)

Gene: AHNAK2 (AHNAK nucleoprotein 2; minus strand). Cytogenetic location: 14q32.33.
Variant type: single nucleotide variant.
Coding change: c.3343G>A on transcript NM_138420.4 (MANE Select); coding-DNA position 3343, G replaced by A.
Protein change: p.Ala1115Thr; replaces alanine 1115 with threonine.
Molecular consequence: missense variant.
Genome position (GRCh38, 1-based): chr14:104,952,108, C>T on the plus strand (G>A on the coding strand, the complement: AHNAK2 is on the minus strand). VCF-style: chr14-104952108-C-T. GRCh37 (hg19) VCF-style: chr14-105418445-C-T.
Other names: c.3043G>A, p.Ala1015Thr (NM_001350929.2); short protein forms A1015T, A1115T.
Identifiers: ClinVar variation 2644856 (VCV002644856.24), dbSNP rs201897243, ClinGen allele CA7383101.

ClinVar aggregate classification (germline): Likely benign (1 of 4 stars; one submission).

Allele frequency attached by ClinVar (database versions not stated): 1000 Genomes Project 30x 0.00016; 1000 Genomes Project 0.00020; gnomAD 0.00036; TOPMed 0.00043; ExAC 0.00051; ESP Exome Variant Server 0.00058; gnomAD exomes 0.00059.
gnomAD v4.1: 913 of 1,612,840 alleles (0.057%); highest among the groups gnomAD compares: Non-Finnish European, 0.065%; 3 homozygotes.

Submission:

CeGaT Center for Human Genetics Tuebingen
Classification: Likely benign. Last evaluated: 2023-03-01. Review status: criteria provided, single submitter. Criteria: CeGaT Center For Human Genetics Tuebingen Variant Classification Criteria Version 2. Collection method: clinical testing. Allele origin: germline. Affected: yes. Observed: 1 variant allele.
Comment: AHNAK2: BP4, BS2